The following is an entry in ClinVar:

ClinVar aggregate classification (germline): Uncertain significance (1 of 4 stars; one submission).

Allele frequency attached by ClinVar (database versions not stated): TOPMed 0.00001.

Submission:

Labcorp Genetics (formerly Invitae), Labcorp
Classification: Uncertain significance. Last evaluated: 2024-04-03. Review status: criteria provided, single submitter. Criteria: Invitae Variant Classification Sherloc (09022015). Collection method: clinical testing. Allele origin: germline.
Comment: This sequence change replaces alanine, which is neutral and non-polar, with threonine, which is neutral and polar, at codon 315 of the MMP9 protein (p.Ala315Thr). This variant is present in population databases (no rsID available, gnomAD 0.006%). This variant has not been reported in the literature in individuals affected with MMP9-related conditions. Advanced modeling of protein sequence and biophysical properties (such as structural, functional, and spatial information, amino acid conservation, physicochemical variation, residue mobility, and thermodynamic stability) has been performed at Invitae for this missense variant, however the output from this modeling did not meet the statistical confidence thresholds required to predict the impact of this variant on MMP9 protein function. In summary, the available evidence is currently insufficient to determine the role of this variant in disease. Therefore, it has been classified as a Variant of Uncertain Significance.

NM_004994.3(MMP9):c.943G>A (p.Ala315Thr)

Gene: MMP9 (matrix metallopeptidase 9; plus strand). Cytogenetic location: 20q13.12.
Variant type: single nucleotide variant.
Coding change: c.943G>A on transcript NM_004994.3 (MANE Select); coding-DNA position 943, G replaced by A.
Protein change: p.Ala315Thr; replaces alanine 315 with threonine.
Molecular consequence: missense variant.
Genome position (GRCh38, 1-based): chr20:46,011,693, G>A. VCF-style: chr20-46011693-G-A. GRCh37 (hg19) VCF-style: chr20-44640332-G-A.
Other names: short protein forms A315T.
Identifiers: ClinVar variation 3001948 (VCV003001948.3), dbSNP rs746936147, ClinGen allele CA409215351.